The following is an entry in ClinVar:

NM_001354930.2(RIPK1):c.1424G>T (p.Gly475Val)

Gene: RIPK1 (receptor interacting serine/threonine kinase 1; plus strand). Cytogenetic location: 6p25.2.
Variant type: single nucleotide variant.
Coding change: c.1424G>T on transcript NM_001354930.2 (MANE Select); coding-DNA position 1424, G replaced by T.
Protein change: p.Gly475Val; replaces glycine 475 with valine.
Molecular consequence: missense variant.
Genome position (GRCh38, 1-based): chr6:3,105,899, G>T. VCF-style: chr6-3105899-G-T. GRCh37 (hg19) VCF-style: chr6-3106133-G-T.
Other names: c.935G>T, p.Gly312Val (NM_001317061.3, NM_001354932.2, NM_001354933.2 and 1 more transcripts); c.1286G>T, p.Gly429Val (NM_001354931.2); c.1424G>T, p.Gly475Val (NM_003804.6); short protein forms G429V, G475V, G312V.
Identifiers: ClinVar variation 4729053 (VCV004729053.1).
Genomic context (GRCh38, chr6:3,105,899, plus strand): 5'-TCACCAGCCAACCTCAAGTACTGTATCAGAACAATGGATTATATAGCTCACATGGCTTTG[G>T]AACAAGACCACTGGATCCAGGAACAGCAGGTCCCAGAGTTTGGTACAGGCCAATTCCAAG-3'
Protein context (NP_001341859.1, residues 465-485): NNGLYSSHGF[Gly475Val]TRPLDPGTAG

ClinVar aggregate classification (germline): Uncertain significance (1 of 4 stars; one submission).

Submission:

Labcorp Genetics (formerly Invitae), Labcorp
Classification: Uncertain significance. Last evaluated: 2025-10-12. Review status: criteria provided, single submitter. Criteria: Invitae Variant Classification Sherloc (09022015). Collection method: clinical testing. Allele origin: germline.
Comment: This sequence change replaces glycine, which is neutral and non-polar, with valine, which is neutral and non-polar, at codon 475 of the RIPK1 protein (p.Gly475Val). This variant is not present in population databases (gnomAD no frequency). This variant has not been reported in the literature in individuals affected with RIPK1-related conditions. An algorithm developed to predict the effect of missense changes on protein structure and function (PolyPhen-2) suggests that this variant is likely to be tolerated. In summary, the available evidence is currently insufficient to determine the role of this variant in disease. Therefore, it has been classified as a Variant of Uncertain Significance.